The following is an entry in ClinVar:

ClinVar aggregate classification (germline): Uncertain significance. Review status: criteria provided, multiple submitters, no conflicts (2 of 4 stars). 2 submissions from 2 submitters: Uncertain significance (2). Last evaluated 2026-08-28.

Conditions:
WDPCP-related disorder. Also called: WDPCP-related condition.
Bardet-Biedl syndrome (BBS). Identifiers: Orphanet 110, MedGen C0752166, MONDO:0015229.

Allele frequency attached by ClinVar (database versions not stated): TOPMed below 0.00001; ExAC 0.00001; gnomAD 0.00001; gnomAD exomes 0.00001.
gnomAD v4.1: 5 of 1,594,278 alleles (0.00031%); highest among the groups gnomAD compares: Admixed American, 0.0017%; no homozygotes.

Submissions (2):

PreventionGenetics, part of Exact Sciences
Classification: Uncertain significance for WDPCP-related condition. Last evaluated: 2026-08-28. Review status: criteria provided, single submitter. Criteria: ACMG Guidelines, 2015. Collection method: clinical testing. Allele origin: germline.
Comment: The WDPCP c.170T>C variant is predicted to result in the amino acid substitution p.Ile57Thr. To our knowledge, this variant has not been reported in the literature. This variant is reported in 0.0029% of alleles in individuals of Latino descent in gnomAD. At this time, the clinical significance of this variant is uncertain due to the absence of conclusive functional and genetic evidence.

Labcorp Genetics (formerly Invitae), Labcorp
Classification: Uncertain significance for Bardet-Biedl syndrome. Last evaluated: 2023-11-27. Review status: criteria provided, single submitter. Criteria: Invitae Variant Classification Sherloc (09022015). Collection method: clinical testing. Allele origin: germline.
Comment: This sequence change replaces isoleucine, which is neutral and non-polar, with threonine, which is neutral and polar, at codon 57 of the WDPCP protein (p.Ile57Thr). This variant is present in population databases (rs757037739, gnomAD 0.003%). This variant has not been reported in the literature in individuals affected with WDPCP-related conditions. ClinVar contains an entry for this variant (Variation ID: 1498469). Advanced modeling of protein sequence and biophysical properties (such as structural, functional, and spatial information, amino acid conservation, physicochemical variation, residue mobility, and thermodynamic stability) performed at Invitae indicates that this missense variant is not expected to disrupt WDPCP protein function with a negative predictive value of 80%. In summary, the available evidence is currently insufficient to determine the role of this variant in disease. Therefore, it has been classified as a Variant of Uncertain Significance.

NM_015910.7(WDPCP):c.170T>C (p.Ile57Thr)

Gene: WDPCP (WD repeat containing planar cell polarity effector; minus strand). Cytogenetic location: 2p15.
Variant type: single nucleotide variant.
Coding change: c.170T>C on transcript NM_015910.7 (MANE Select); coding-DNA position 170, T replaced by C.
Protein change: p.Ile57Thr; replaces isoleucine 57 with threonine.
Molecular consequence: missense variant. On other transcripts: non-coding transcript variant (2).
Genome position (GRCh38, 1-based): chr2:63,487,485, A>G on the plus strand (T>C on the coding strand, the complement: WDPCP is on the minus strand). VCF-style: chr2-63487485-A-G. GRCh37 (hg19) VCF-style: chr2-63714619-A-G.
Other names: c.98T>C, p.Ile33Thr (NM_001354044.2); c.170T>C, p.Ile57Thr (NM_001354045.2); c.170T>C (NM_015910.5); short protein forms I57T, I33T.
Identifiers: ClinVar variation 1498469 (VCV001498469.7), dbSNP rs757037739, ClinGen allele CA1682588.